The following is an entry in ClinVar:

NM_152296.5(ATP1A3):c.2122G>A (p.Gly708Ser)

Gene: ATP1A3 (ATPase Na+/K+ transporting subunit alpha 3; minus strand). Cytogenetic location: 19q13.2.
Variant type: single nucleotide variant.
Coding change: c.2122G>A on transcript NM_152296.5 (MANE Select); coding-DNA position 2122, G replaced by A.
Protein change: p.Gly708Ser; replaces glycine 708 with serine.
Molecular consequence: missense variant.
Genome position (GRCh38, 1-based): chr19:41,975,770, C>T on the plus strand (G>A on the coding strand, the complement: ATP1A3 is on the minus strand). VCF-style: chr19-41975770-C-T. GRCh37 (hg19) VCF-style: chr19-42479922-C-T.
Other names: c.2155G>A, p.Gly719Ser (NM_001256213.2); c.2161G>A, p.Gly721Ser (NM_001256214.2); short protein forms G708S, G719S, G721S.
Identifiers: ClinVar variation 406191 (VCV000406191.8), dbSNP rs782288524, ClinGen allele CA16616282.

ClinVar aggregate classification (germline): Uncertain significance (1 of 4 stars; one submission).

Conditions:
Dystonia 12 (DYT12). Also called: DYT-ATP1A3; Rapid-Onset Dystonia-Parkinsonism (RDP). Identifiers: Orphanet 71517, MedGen C1868681, MONDO:0007496, OMIM 128235.

Submission:

Labcorp Genetics (formerly Invitae), Labcorp
Classification: Uncertain significance for Dystonia 12. Last evaluated: 2016-11-26. Review status: criteria provided, single submitter. Criteria: Invitae Variant Classification Sherloc (09022015). Collection method: clinical testing. Allele origin: germline.
Comment: In summary, this variant is a novel missense change with uncertain impact on protein function. It has been classified as a Variant of Uncertain Significance. Algorithms developed to predict the effect of missense changes on protein structure and function do not agree on the potential impact of this missense change (SIFT: "Deleterious"; PolyPhen-2: "Probably Damaging"; Align-GVGD: "Class C0"). This variant is not present in population databases (ExAC no frequency) and has not been reported in the literature in individuals with a ATP1A3-related disease. This sequence change replaces glycine with serine at codon 708 of the ATP1A3 protein (p.Gly708Ser). The glycine residue is highly conserved and there is a small physicochemical difference between glycine and serine.